The following is an entry in ClinVar:

NM_152281.3(GORAB):c.288T>C (p.Gly96=)

Gene: GORAB (golgin, RAB6 interacting; plus strand). Cytogenetic location: 1q24.2.
Variant type: single nucleotide variant.
Coding change: c.288T>C on transcript NM_152281.3 (MANE Select); coding-DNA position 288, T replaced by C.
Protein change: p.Gly96=; no amino-acid change (glycine 96 retained).
Molecular consequence: synonymous variant. On other transcripts: 5 prime UTR variant (1), non-coding transcript variant (1).
Genome position (GRCh38, 1-based): chr1:170,539,436, T>C. VCF-style: chr1-170539436-T-C. GRCh37 (hg19) VCF-style: chr1-170508577-T-C.
Other names: c.288T>C, p.Gly96= (NM_001146039.2); c.-178T>C (NM_001320252.2); c.237T>C, p.Gly79= (NM_001410894.1); c.363T>C (NM_152281.2).
Identifiers: ClinVar variation 2074593 (VCV002074593.28), dbSNP rs754286398, ClinGen allele CA1239088.

ClinVar aggregate classification (germline): Likely benign. Review status: criteria provided, multiple submitters, no conflicts (2 of 4 stars). 3 submissions from 3 submitters: Likely benign (2). 1 of the submissions does not count toward it. Last evaluated 2025-12-27.

Conditions:
GORAB-related disorder. Also called: GORAB-related condition.

Allele frequency attached by ClinVar (database versions not stated): gnomAD 0.00001; gnomAD exomes 0.00002; TOPMed 0.00002; ExAC 0.00004.
gnomAD v4.1: 28 of 1,614,008 alleles (0.0017%); highest among the groups gnomAD compares: Middle Eastern, 0.033%; no homozygotes.

Submissions (3):

Labcorp Genetics (formerly Invitae), Labcorp
Classification: Likely benign. Last evaluated: 2025-12-27. Review status: criteria provided, single submitter. Criteria: Invitae Variant Classification Sherloc (09022015). Collection method: clinical testing. Allele origin: germline.

CeGaT Center for Human Genetics Tuebingen
Classification: Likely benign. Last evaluated: 2023-11-01. Review status: criteria provided, single submitter. Criteria: CeGaT Center For Human Genetics Tuebingen Variant Classification Criteria Version 2. Collection method: clinical testing. Allele origin: germline. Affected: yes. Observed: 1 variant allele.
Comment: GORAB: BP4, BP7

PreventionGenetics, part of Exact Sciences
Classification: Likely benign for GORAB-related condition. Last evaluated: 2019-02-28. Review status: no assertion criteria provided. Collection method: clinical testing. Allele origin: germline. Not counted in ClinVar's aggregate classification.
Comment: This variant is classified as likely benign based on ACMG/AMP sequence variant interpretation guidelines (Richards et al. 2015 PMID: 25741868, with internal and published modifications).